The following is an entry in ClinVar:

NM_020791.4(TAOK1):c.644G>A (p.Cys215Tyr)

Gene: TAOK1 (TAO kinase 1; plus strand). Cytogenetic location: 17q11.2.
Variant type: single nucleotide variant.
Coding change: c.644G>A on transcript NM_020791.4 (MANE Select); coding-DNA position 644, G replaced by A.
Protein change: p.Cys215Tyr; replaces cysteine 215 with tyrosine.
Molecular consequence: missense variant.
Genome position (GRCh38, 1-based): chr17:29,482,277, G>A. VCF-style: chr17-29482277-G-A. GRCh37 (hg19) VCF-style: chr17-27809295-G-A.
Other names: c.644G>A, p.Cys215Tyr (NM_025142.1); short protein forms C215Y.
Identifiers: ClinVar variation 2501342 (VCV002501342.1), dbSNP rs2508210919, ClinGen allele CA399191046.

ClinVar aggregate classification (germline): Uncertain significance (1 of 4 stars; one submission).

Submission:

GeneDx
Classification: Uncertain significance. Last evaluated: 2022-11-07. Review status: criteria provided, single submitter. Criteria: GeneDx Variant Classification Process June 2021. Collection method: clinical testing. Allele origin: germline. Affected: yes.
Comment: Not observed at significant frequency in large population cohorts (gnomAD); In silico analysis supports that this missense variant has a deleterious effect on protein structure/function; Has not been previously published as pathogenic or benign to our knowledge